The following is an entry in ClinVar:

ClinVar aggregate classification (germline): Uncertain significance (1 of 4 stars; one submission).

Conditions:
Saldino-Mainzer syndrome (SRTD9). Also called: Renal dysplasia, retinal pigmentary dystrophy, cerebellar ataxia and skeletal dysplasia; CONORENAL SYNDROME; short-rib thoracic dysplasia 9 with or without polydactyly; SHORT-RIB THORACIC DYSPLASIA 9 WITHOUT POLYDACTYLY. Identifiers: Orphanet 140969, MedGen C1849437, MONDO:0009964, OMIM 266920.

Submission:

Labcorp Genetics (formerly Invitae), Labcorp
Classification: Uncertain significance for Saldino-Mainzer syndrome. Last evaluated: 2022-04-12. Review status: criteria provided, single submitter. Criteria: Invitae Variant Classification Sherloc (09022015). Collection method: clinical testing. Allele origin: germline.
Comment: In summary, the available evidence is currently insufficient to determine the role of this variant in disease. Therefore, it has been classified as a Variant of Uncertain Significance. Experimental studies and prediction algorithms are not available or were not evaluated, and the functional significance of this variant is currently unknown. This variant has not been reported in the literature in individuals affected with IFT140-related conditions. This variant is not present in population databases (gnomAD no frequency). This variant, c.3074_3076del, results in the deletion of 1 amino acid(s) of the IFT140 protein (p.Glu1025del), but otherwise preserves the integrity of the reading frame.

NM_014714.4(IFT140):c.3068AGG[2] (p.Glu1025del)

Genes: IFT140 (intraflagellar transport 140; minus strand), LOC126862260 (CDK7 strongly-dependent group 2 enhancer GRCh37_chr16:1574508-1575707; plus strand). Cytogenetic location: 16p13.3.
Variant type: Microsatellite.
Coding change: c.3068AGG[2] on transcript NM_014714.4 (MANE Select); two copies in a row of the 3-base unit AGG starting at c.3068; the reference has three copies in a row; one copy, 3 bases deleted.
Protein change: p.Glu1025del; deletes glutamic acid 1025.
Molecular consequence: inframe deletion.
Genome position (GRCh38, 1-based): chr16:1,524,617-1,524,619, CCT deleted on the plus strand (AGG on the coding strand, the reverse complement: IFT140 is on the minus strand); deleting any 3 consecutive bases within chr16:1,524,617-1,524,625 gives the same sequence; the position shown is the placement nearest the transcript's 3' end. VCF-style (leftmost placement, unchanged base first): chr16-1524616-ACCT-A. GRCh37 (hg19) VCF-style: chr16-1574617-ACCT-A.
Other names: short protein forms E1025del.
Identifiers: ClinVar variation 1945043 (VCV001945043.5), dbSNP rs2506112821, ClinGen allele CA2580613359.